The following is an entry in ClinVar:

ClinVar aggregate classification (germline): Conflicting classifications of pathogenicity. Review status: criteria provided, conflicting classifications (1 of 4 stars). 3 submissions from 3 submitters: Uncertain significance (1); Likely benign (1). 1 of the submissions does not count toward it. Last evaluated 2025-07-07.

Conditions:
Inborn genetic diseases. Identifiers: MedGen C0950123, MeSH D030342.
Rubinstein-Taybi syndrome (RSTS). Identifiers: Orphanet 783, MedGen C0035934, MONDO:0019188.
CREBBP-related disorder. Also called: CREBBP-related disorders; CREBBP-related condition.

Allele frequency attached by ClinVar (database versions not stated): gnomAD exomes 0.00001; ExAC 0.00002; gnomAD 0.00002.
gnomAD v4.1: 18 of 1,613,888 alleles (0.0011%); highest among the groups gnomAD compares: African/African-American, 0.0027%; no homozygotes.

Submissions (3):

Labcorp Genetics (formerly Invitae), Labcorp
Classification: Uncertain significance for Rubinstein-Taybi syndrome. Last evaluated: 2025-07-07. Review status: criteria provided, single submitter. Criteria: Invitae Variant Classification Sherloc (09022015). Collection method: clinical testing. Allele origin: germline.
Comment: This sequence change falls in intron 13 of the CREBBP gene. It does not directly change the encoded amino acid sequence of the CREBBP protein. It affects a nucleotide within the consensus splice site. This variant is present in population databases (rs752289713, gnomAD 0.004%). This variant has not been reported in the literature in individuals affected with CREBBP-related conditions. ClinVar contains an entry for this variant (Variation ID: 1990087). Variants that disrupt the consensus splice site are a relatively common cause of aberrant splicing (PMID: 17576681, 9536098). Algorithms developed to predict the effect of sequence changes on RNA splicing suggest that this variant is not likely to affect RNA splicing. In summary, the available evidence is currently insufficient to determine the role of this variant in disease. Therefore, it has been classified as a Variant of Uncertain Significance.

Ambry Genetics
Classification: Likely benign for Inborn genetic diseases. Last evaluated: 2025-04-25. Review status: criteria provided, single submitter. Criteria: Ambry Variant Classification Scheme 2023. Collection method: clinical testing. Allele origin: germline.

PreventionGenetics, part of Exact Sciences
Classification: Likely benign for CREBBP-related condition. Last evaluated: 2023-09-14. Review status: no assertion criteria provided. Collection method: clinical testing. Allele origin: germline. Not counted in ClinVar's aggregate classification.
Comment: This variant is classified as likely benign based on ACMG/AMP sequence variant interpretation guidelines (Richards et al. 2015 PMID: 25741868, with internal and published modifications).

Literature cited by the submitters: PubMed 17576681 (cited by Labcorp Genetics (formerly Invitae), Labcorp); PubMed 9536098 (cited by Labcorp Genetics (formerly Invitae), Labcorp).

NM_004380.3(CREBBP):c.2463+4C>T

Gene: CREBBP (CREB binding lysine acetyltransferase; minus strand). Cytogenetic location: 16p13.3.
Variant type: single nucleotide variant.
Coding change: c.2463+4C>T on transcript NM_004380.3 (MANE Select); 4 bases into the intron after coding-DNA position 2463, C replaced by T.
Molecular consequence: intron variant.
Genome position (GRCh38, 1-based): chr16:3,773,747, G>A on the plus strand (C>T on the coding strand, the complement: CREBBP is on the minus strand). VCF-style: chr16-3773747-G-A. GRCh37 (hg19) VCF-style: chr16-3823748-G-A.
Other names: c.2463+4C>T (NM_004380.2); c.2349+4C>T (NM_001079846.1).
Identifiers: ClinVar variation 1990087 (VCV001990087.6), dbSNP rs752289713, ClinGen allele CA7870132.